The following is an entry in ClinVar:

ClinVar aggregate classification (germline): Uncertain significance. Review status: criteria provided, multiple submitters, no conflicts (2 of 4 stars). 2 submissions from 2 submitters: Uncertain significance (2). Last evaluated 2025-08-13.

Conditions:
Dyskeratosis congenita. Identifiers: Orphanet 1775, MedGen C0265965, MONDO:0015780.
Inborn genetic diseases. Identifiers: MedGen C0950123, MeSH D030342.

Allele frequency attached by ClinVar (database versions not stated): TOPMed 0.00001; gnomAD 0.00008.
gnomAD v4.1: 68 of 1,614,044 alleles (0.0042%); highest among the groups gnomAD compares: East Asian, 0.0022%; no homozygotes.

Submissions (2):

Ambry Genetics
Classification: Uncertain significance for Inborn genetic diseases. Last evaluated: 2025-08-13. Review status: criteria provided, single submitter. Criteria: Ambry Variant Classification Scheme 2023. Collection method: clinical testing. Allele origin: germline.

Labcorp Genetics (formerly Invitae), Labcorp
Classification: Uncertain significance for Dyskeratosis congenita. Last evaluated: 2023-10-12. Review status: criteria provided, single submitter. Criteria: Invitae Variant Classification Sherloc (09022015). Collection method: clinical testing. Allele origin: germline.
Comment: This sequence change replaces arginine, which is basic and polar, with histidine, which is basic and polar, at codon 460 of the CTC1 protein (p.Arg460His). This variant is present in population databases (rs200619397, gnomAD 0.07%). This variant has not been reported in the literature in individuals affected with CTC1-related conditions. ClinVar contains an entry for this variant (Variation ID: 854773). Advanced modeling of protein sequence and biophysical properties (such as structural, functional, and spatial information, amino acid conservation, physicochemical variation, residue mobility, and thermodynamic stability) performed at Invitae indicates that this missense variant is not expected to disrupt CTC1 protein function. In summary, the available evidence is currently insufficient to determine the role of this variant in disease. Therefore, it has been classified as a Variant of Uncertain Significance.

NM_025099.6(CTC1):c.1379G>A (p.Arg460His)

Gene: CTC1 (CST telomere replication complex component 1; minus strand). Cytogenetic location: 17p13.1.
Variant type: single nucleotide variant.
Coding change: c.1379G>A on transcript NM_025099.6 (MANE Select); coding-DNA position 1379, G replaced by A.
Protein change: p.Arg460His; replaces arginine 460 with histidine.
Molecular consequence: missense variant. On other transcripts: non-coding transcript variant (1).
Genome position (GRCh38, 1-based): chr17:8,235,113, C>T on the plus strand (G>A on the coding strand, the complement: CTC1 is on the minus strand). VCF-style: chr17-8235113-C-T. GRCh37 (hg19) VCF-style: chr17-8138431-C-T.
Other names: short protein forms R460H.
Identifiers: ClinVar variation 854773 (VCV000854773.6), dbSNP rs200619397, ClinGen allele CA8372364.
Genomic context (GRCh38, chr17:8,235,113, plus strand): 5'-TTGCAGGCCAGCTCCTCCAGGGCCTTGGTAGCCCACAGGTAGAGGGGAAGTCCTAACTGA[C>T]GTTCCCACACCAGCTGCTCGTACAGGGAGGCCCCGTAGGCTTGACGGGATGAGTGAGCCC-3'
Protein context (NP_079375.3, residues 450-470): ASLYEQLVWE[Arg460His]QLGLPLYLWA